The following is an entry in ClinVar:

NM_002454.3(MTRR):c.741del (p.Glu248fs)

Gene: MTRR (5-methyltetrahydrofolate-homocysteine methyltransferase reductase; plus strand). Cytogenetic location: 5p15.31.
Variant type: Deletion.
Coding change: c.741del on transcript NM_002454.3 (MANE Select); coding-DNA position 741, one base deleted (A; older notation c.741delA).
Protein change: p.Glu248fs; shifts the reading frame from glutamic acid 248.
Molecular consequence: frameshift variant. On other transcripts: non-coding transcript variant (14).
Genome position (GRCh38, 1-based): chr5:7,878,283, A deleted. VCF-style (leftmost placement, unchanged base first): chr5-7878282-CA-C. GRCh37 (hg19) VCF-style: chr5-7878395-CA-C.
Other names: c.741delA (NM_002454.2); c.741del, p.Glu248fs (NM_001364440.2, NM_001364441.2, NM_001364442.2 and 1 more transcripts); short protein forms E248fs.
Identifiers: ClinVar variation 937263 (VCV000937263.10), dbSNP rs1734931275, ClinGen allele CA1139658738.
Genomic context (GRCh38, chr5:7,878,282, plus strand): 5'-CACTTACCCGTTCGGTACCCCCACTCTCACAAGCCTCTCTGAATATTCCTGGTTTACCCC[CA>C]GAATATTTACAGGTACATCTGCAGGAGTCTCTTGGCCAGGTAAGGAAGTTTTTCTTTATG-3'

ClinVar aggregate classification (germline): Pathogenic/Likely pathogenic. Review status: criteria provided, multiple submitters, no conflicts (2 of 4 stars). 3 submissions from 3 submitters: Pathogenic (1); Likely pathogenic (2). Last evaluated 2025-04-17.

Conditions:
Neural tube defects, folate-sensitive (NTDFS). Also called: NTD, FOLATE-SENSITIVE. Identifiers: Orphanet 823, MedGen C1866558, MONDO:0011120, OMIM 601634.
Methylcobalamin deficiency type cblE (HMAE). Also called: HOMOCYSTINURIA-MEGALOBLASTIC ANEMIA, cblE COMPLEMENTATION TYPE; VITAMIN B12-RESPONSIVE HOMOCYSTINURIA, cblE TYPE; HOMOCYSTINURIA-MEGALOBLASTIC ANEMIA, cblE TYPE. Identifiers: Orphanet 2169, Orphanet 622, MedGen C1856057, MONDO:0009354, OMIM 236270.

Submissions (3):

Natera, Inc.
Classification: Likely pathogenic for CblE complementation type homocystinuria-megaloblastic anemia due to defect in cobalamin metabolism. Last evaluated: 2025-04-17. Review status: criteria provided, single submitter. Criteria: Natera Variant Classification Schema (03/2026). Collection method: clinical testing. Allele origin: germline.
Comment: The c.741delA variant in MTRR is a frameshift variant predicted to shift the reading frame beginning at codon 248 and leads to a stop codon 20 codons downstream. This variant is expected to result in nonsense mediated decay, truncation, or a dysfunctional protein product. This variant is rare in the general population with a frequency below the threshold expected for the associated phenotype(s). Given the available evidence, this variant is classified as Likely Pathogenic.

Baylor Genetics
Classification: Likely pathogenic for Neural tube defects, folate-sensitive. Last evaluated: 2023-09-24. Review status: criteria provided, single submitter. Criteria: ACMG Guidelines, 2015. Collection method: clinical testing. Allele origin: unknown.

Labcorp Genetics (formerly Invitae), Labcorp
Classification: Pathogenic for Methylcobalamin deficiency type cblE. Last evaluated: 2023-07-16. Review status: criteria provided, single submitter. Criteria: Invitae Variant Classification Sherloc (09022015). Collection method: clinical testing. Allele origin: germline.
Comment: ClinVar contains an entry for this variant (Variation ID: 937263). This variant has not been reported in the literature in individuals affected with MTRR-related conditions. This variant is not present in population databases (gnomAD no frequency). This sequence change creates a premature translational stop signal (p.Glu248Asnfs*20) in the MTRR gene. It is expected to result in an absent or disrupted protein product. Loss-of-function variants in MTRR are known to be pathogenic (PMID: 15714522). For these reasons, this variant has been classified as Pathogenic.

Literature cited by the submitters: PubMed 15714522 (cited by Labcorp Genetics (formerly Invitae), Labcorp).